The following is an entry in ClinVar:

NM_013386.5(SLC25A24):c.766A>G (p.Thr256Ala)

Gene: SLC25A24 (solute carrier family 25 member 24; minus strand). Cytogenetic location: 1p13.3.
Variant type: single nucleotide variant.
Coding change: c.766A>G on transcript NM_013386.5 (MANE Select); coding-DNA position 766, A replaced by G.
Protein change: p.Thr256Ala; replaces threonine 256 with alanine.
Molecular consequence: missense variant.
Genome position (GRCh38, 1-based): chr1:108,155,039, T>C on the plus strand (A>G on the coding strand, the complement: SLC25A24 is on the minus strand). VCF-style: chr1-108155039-T-C. GRCh37 (hg19) VCF-style: chr1-108697661-T-C.
Other names: c.709A>G, p.Thr237Ala (NM_213651.3); short protein forms T237A, T256A.
Identifiers: ClinVar variation 3045648 (VCV003045648.2), dbSNP rs1679856843, ClinGen allele CA341194096.
Genomic context (GRCh38, chr1:108,155,039, plus strand): 5'-TTACCTGTTCATATGCCCAGAATTTAACAGCTGTCTCAGGAGCAATTTTGATGACGTTTG[T>C]ACCATTTCCCCTCCAAAGCGAGCGGATACCTCCTTCTTTTACCATCTGTCGAAAGCCACC-3'
Protein context (NP_037518.3, residues 246-266): GIRSLWRGNG[Thr256Ala]NVIKIAPETA

ClinVar aggregate classification (germline): Uncertain significance (0 of 4 stars; one submission).

Conditions:
SLC25A24-related disorder. Also called: SLC25A24-related condition.

Allele frequency attached by ClinVar (database versions not stated): gnomAD exomes below 0.00001; TOPMed below 0.00001.
gnomAD v4.1: 1 of 1,613,302 alleles (0.000062%); highest among the groups gnomAD compares: Non-Finnish European, 0.000085%; no homozygotes.

Submission:

PreventionGenetics, part of Exact Sciences
Classification: Uncertain significance for SLC25A24-related condition. Last evaluated: 2024-01-09. Review status: no assertion criteria provided. Collection method: clinical testing. Allele origin: germline.
Comment: The SLC25A24 c.766A>G variant is predicted to result in the amino acid substitution p.Thr256Ala. To our knowledge, this variant has not been reported in the literature or in a large population database, indicating this variant is rare. At this time, the clinical significance of this variant is uncertain due to the absence of conclusive functional and genetic evidence.